The following is an entry in ClinVar:

ClinVar aggregate classification (germline): Likely pathogenic (1 of 4 stars; one submission).

Conditions:
Joubert syndrome. Also called: Familial aplasia of the vermis; JOUBERT-BOLTSHAUSER SYNDROME; CEREBELLOPARENCHYMAL DISORDER IV. Identifiers: Orphanet 475, MedGen C5979921, MONDO:0018772.

Submission:

Natera, Inc.
Classification: Likely pathogenic for Joubert syndrome. Last evaluated: 2025-12-02. Review status: criteria provided, single submitter. Criteria: Natera Variant Classification Schema (03/2026). Collection method: clinical testing. Allele origin: germline.
Comment: The c.1324A>T variant in RPGRIP1L is a nonsense variant predicted to introduce a stop codon at amino acid 442. This variant is expected to result in nonsense mediated decay, truncation, or a dysfunctional protein product. This variant is rare in the general population with a frequency below the threshold expected for the associated phenotype(s). Given the available evidence, this variant is classified as Likely Pathogenic.

NM_015272.5(RPGRIP1L):c.1324A>T (p.Lys442Ter)

Gene: RPGRIP1L (RPGRIP1 like; minus strand). Cytogenetic location: 16q12.2.
Variant type: single nucleotide variant.
Coding change: c.1324A>T on transcript NM_015272.5 (MANE Select); coding-DNA position 1324, A replaced by T.
Protein change: p.Lys442Ter; replaces lysine 442 with a stop codon.
Molecular consequence: nonsense.
Genome position (GRCh38, 1-based): chr16:53,658,798, T>A on the plus strand (A>T on the coding strand, the complement: RPGRIP1L is on the minus strand). VCF-style: chr16-53658798-T-A. GRCh37 (hg19) VCF-style: chr16-53692710-T-A.
Other names: c.1324A>T, p.Lys442Ter (NM_001127897.4, NM_001308334.3, NM_001330538.2); short protein forms K442*.
Identifiers: ClinVar variation 4815826 (VCV004815826.1).